The following is an entry in ClinVar:

NM_005097.4(LGI1):c.1155A>C (p.Leu385=)

Gene: LGI1 (leucine rich glioma inactivated 1; plus strand). Cytogenetic location: 10q23.33.
Variant type: single nucleotide variant.
Coding change: c.1155A>C on transcript NM_005097.4 (MANE Select); coding-DNA position 1155, A replaced by C.
Protein change: p.Leu385=; no amino-acid change (leucine 385 retained).
Molecular consequence: synonymous variant. On other transcripts: non-coding transcript variant (1), intron variant (1).
Genome position (GRCh38, 1-based): chr10:93,797,284, A>C. VCF-style: chr10-93797284-A-C. GRCh37 (hg19) VCF-style: chr10-95557041-A-C.
Other names: p.L385L:CTA>CTC; c.1011A>C, p.Leu337= (NM_001308276.2); c.839-465A>C (NM_001308275.2).
Identifiers: ClinVar variation 138115 (VCV000138115.19), dbSNP rs202148793, ClinGen allele CA291925.

ClinVar aggregate classification (germline): Conflicting classifications of pathogenicity. Review status: criteria provided, conflicting classifications (1 of 4 stars). 5 submissions from 5 submitters: Uncertain significance (1); Benign (1); Likely benign (3). Last evaluated 2026-02-03.

Conditions:
Autosomal dominant epilepsy with auditory features. Identifiers: Orphanet 101046, MedGen C1838062, MONDO:0010898.
Inborn genetic diseases. Identifiers: MedGen C0950123, MeSH D030342.
Epilepsy, familial temporal lobe, 1. Identifiers: Orphanet 101046, MedGen CN030884, MONDO:0700090, OMIM 600512.

Allele frequency attached by ClinVar (database versions not stated): ESP Exome Variant Server 0.00008; TOPMed 0.00023; gnomAD 0.00026; ExAC 0.00035; gnomAD exomes 0.00048.
gnomAD v4.1: 362 of 1,614,076 alleles (0.022%); highest among the groups gnomAD compares: Non-Finnish European, 0.0044%; 2 homozygotes.

Submissions (5):

Labcorp Genetics (formerly Invitae), Labcorp
Classification: Likely benign for Autosomal dominant epilepsy with auditory features. Last evaluated: 2026-02-03. Review status: criteria provided, single submitter. Criteria: Invitae Variant Classification Sherloc (09022015). Collection method: clinical testing. Allele origin: germline.

Blueprint Genetics
Classification: Likely benign. Last evaluated: 2024-03-12. Review status: criteria provided, single submitter. Criteria: ACMG Guidelines, 2015. Collection method: clinical testing. Allele origin: germline.

Illumina Laboratory Services, Illumina
Classification: Uncertain significance for Epilepsy, familial temporal lobe, 1. Last evaluated: 2018-01-12. Review status: criteria provided, single submitter. Criteria: ICSL Variant Classification Criteria 13 December 2019. Collection method: clinical testing. Allele origin: germline.

Ambry Genetics
Classification: Likely benign for Inborn genetic diseases. Last evaluated: 2017-12-04. Review status: criteria provided, single submitter. Criteria: Ambry Variant Classification Scheme 2023. Collection method: clinical testing. Allele origin: germline.

GeneDx
Classification: Benign. Last evaluated: 2013-09-25. Review status: criteria provided, single submitter. Criteria: GeneDx Variant Classification (06012015). Collection method: clinical testing. Allele origin: germline. Affected: yes.
Comment: This variant is considered likely benign or benign based on one or more of the following criteria: it is a conservative change, it occurs at a poorly conserved position in the protein, it is predicted to be benign by multiple in silico algorithms, and/or has population frequency not consistent with disease.